The following is an entry in ClinVar:

ClinVar aggregate classification (germline): Uncertain significance. Review status: criteria provided, multiple submitters, no conflicts (2 of 4 stars). 4 submissions from 4 submitters: Uncertain significance (4). Last evaluated 2025-09-22.

Conditions:
Inborn genetic diseases. Identifiers: MedGen C0950123, MeSH D030342.

Allele frequency attached by ClinVar (database versions not stated): gnomAD 0.00008; gnomAD exomes 0.00008 and 0.00014; TOPMed 0.00009; ExAC 0.00010; ESP Exome Variant Server 0.00025.
gnomAD v4.1: 228 of 1,613,860 alleles (0.014%); highest among the groups gnomAD compares: Non-Finnish European, 0.018%; no homozygotes.

Submissions (4):

Ambry Genetics
Classification: Uncertain significance for Inborn genetic diseases. Last evaluated: 2025-09-22. Review status: criteria provided, single submitter. Criteria: Ambry Variant Classification Scheme 2023. Collection method: clinical testing. Allele origin: germline.

Greenwood Genetic Center Diagnostic Laboratories, Greenwood Genetic Center
Classification: Uncertain significance. Last evaluated: 2023-12-13. Review status: criteria provided, single submitter. Criteria: ACMG Guidelines, 2015. Collection method: clinical testing. Allele origin: germline. Affected: yes.
Comment: PM2, PP3

CeGaT Center for Human Genetics Tuebingen
Classification: Uncertain significance. Last evaluated: 2023-10-01. Review status: criteria provided, single submitter. Criteria: CeGaT Center For Human Genetics Tuebingen Variant Classification Criteria Version 2. Collection method: clinical testing. Allele origin: germline. Affected: yes. Observed: 1 variant allele.
Comment: PCLO: PM2:Supporting, BP4

Labcorp Genetics (formerly Invitae), Labcorp
Classification: Uncertain significance. Last evaluated: 2022-07-22. Review status: criteria provided, single submitter. Criteria: Invitae Variant Classification Sherloc (09022015). Collection method: clinical testing. Allele origin: germline.
Comment: This sequence change replaces arginine, which is basic and polar, with threonine, which is neutral and polar, at codon 2151 of the PCLO protein (p.Arg2151Thr). This variant is present in population databases (rs199827159, gnomAD 0.02%). This variant has not been reported in the literature in individuals affected with PCLO-related conditions. ClinVar contains an entry for this variant (Variation ID: 1366566). Algorithms developed to predict the effect of missense changes on protein structure and function are either unavailable or do not agree on the potential impact of this missense change (SIFT: "Deleterious"; PolyPhen-2: "Not Available"; Align-GVGD: "Class C0"). In summary, the available evidence is currently insufficient to determine the role of this variant in disease. Therefore, it has been classified as a Variant of Uncertain Significance.

NM_033026.6(PCLO):c.6452G>C (p.Arg2151Thr)

Gene: PCLO (piccolo presynaptic cytomatrix protein; minus strand). Cytogenetic location: 7q21.11.
Variant type: single nucleotide variant.
Coding change: c.6452G>C on transcript NM_033026.6 (MANE Select); coding-DNA position 6452, G replaced by C.
Protein change: p.Arg2151Thr; replaces arginine 2151 with threonine.
Molecular consequence: missense variant.
Genome position (GRCh38, 1-based): chr7:82,954,501, C>G on the plus strand (G>C on the coding strand, the complement: PCLO is on the minus strand). VCF-style: chr7-82954501-C-G. GRCh37 (hg19) VCF-style: chr7-82583817-C-G.
Other names: c.6452G>C, p.Arg2151Thr (NM_014510.3); c.6452G>C (NM_033026.5); short protein forms R2151T.
Identifiers: ClinVar variation 1366566 (VCV001366566.30), dbSNP rs199827159, ClinGen allele CA4320468.